The following is an entry in ClinVar:

ClinVar aggregate classification (germline): Uncertain significance (1 of 4 stars; one submission).

Conditions:
Microcephaly and chorioretinopathy 1. Also called: Microcephaly and chorioretinopathy, autosomal recessive, 1. Identifiers: MedGen C3278481, MONDO:0009624, OMIM 251270.

Submission:

Diagnostics Services (NGS), CSIR - Centre For Cellular And Molecular Biology
Classification: Uncertain significance for Microcephaly and chorioretinopathy 1. Last evaluated: 2023-05-30. Review status: criteria provided, single submitter. Criteria: ACMG Guidelines, 2015. Collection method: clinical testing. Allele origin: germline. Affected: yes. Observed: 1 variant allele, 1 heterozygote.
Comment: The c.4994A>G variant is not present in 1000 Genomes, ExAC, gnomAD, EVS, Indian Exome Database or our in-house exome database. The variant has neither been published in literature nor reported to clinical databases like in ClinVar, Human Gene Mutation Database (HGMD) or OMIM, in any affected individuals. In-silico pathogenicity prediction programs like PolyPhen-2, MutationTaster2, CADD, etc predicted this variant to be likely deleterious however these predictions were not confirmed by published functional studies.

NM_020461.4(TUBGCP6):c.4994A>G (p.Gln1665Arg)

Gene: TUBGCP6 (tubulin gamma complex component 6; minus strand). Cytogenetic location: 22q13.33.
Variant type: single nucleotide variant.
Coding change: c.4994A>G on transcript NM_020461.4 (MANE Select); coding-DNA position 4994, A replaced by G.
Protein change: p.Gln1665Arg; replaces glutamine 1665 with arginine.
Molecular consequence: missense variant.
Genome position (GRCh38, 1-based): chr22:50,218,363, T>C on the plus strand (A>G on the coding strand, the complement: TUBGCP6 is on the minus strand). VCF-style: chr22-50218363-T-C. GRCh37 (hg19) VCF-style: chr22-50656792-T-C.
Other names: short protein forms Q1665R.
Identifiers: ClinVar variation 2505348 (VCV002505348.2), dbSNP rs2519121151, ClinGen allele CA412164795.